The following is an entry in ClinVar:

ClinVar aggregate classification (germline): Likely benign (1 of 4 stars; one submission).

Conditions:
LRRC45-related disorder. Also called: LRRC45-related condition.

Submission:

PreventionGenetics, part of Exact Sciences
Classification: Likely benign for LRRC45-related condition. Last evaluated: 2024-11-15. Review status: criteria provided, single submitter. Criteria: ACMG Guidelines, 2015. Collection method: clinical testing. Allele origin: germline.
Comment: This variant is classified as likely benign based on ACMG/AMP sequence variant interpretation guidelines (Richards et al. 2015 PMID: 25741868, with internal and published modifications).

NM_144999.4(LRRC45):c.1504C>T (p.Leu502=)

Gene: LRRC45 (leucine rich repeat containing 45; plus strand). Cytogenetic location: 17q25.3.
Variant type: single nucleotide variant.
Coding change: c.1504C>T on transcript NM_144999.4 (MANE Select); coding-DNA position 1504, C replaced by T.
Protein change: p.Leu502=; no amino-acid change (leucine 502 retained).
Molecular consequence: synonymous variant.
Genome position (GRCh38, 1-based): chr17:82,030,074, C>T. VCF-style: chr17-82030074-C-T. GRCh37 (hg19) VCF-style: chr17-79987950-C-T.
Identifiers: ClinVar variation 4979108 (VCV004979108.1).